The following is an entry in ClinVar:

NM_001242896.3(DEPDC5):c.2006+17G>C

Gene: DEPDC5 (DEP domain containing 5, GATOR1 subcomplex subunit; plus strand). Cytogenetic location: 22q12.3.
Variant type: single nucleotide variant.
Coding change: c.2006+17G>C on transcript NM_001242896.3 (MANE Select); 17 bases into the intron after coding-DNA position 2006, G replaced by C.
Molecular consequence: intron variant.
Genome position (GRCh38, 1-based): chr22:31,821,654, G>C. VCF-style: chr22-31821654-G-C. GRCh37 (hg19) VCF-style: chr22-32217640-G-C.
Other names: c.2006+17G>C (NM_001364318.2, NM_001136029.4, NM_014662.6 and 3 more transcripts); c.1870+2429G>C (NM_001363854.2, NM_001242897.2, NM_001364319.2); c.1922+17G>C (NM_001369902.1, NM_001369901.1).
Identifiers: ClinVar variation 2858014 (VCV002858014.3), dbSNP rs1033799246, ClinGen allele CA323321993.
Genomic context (GRCh38, chr22:31,821,654, plus strand): 5'-TCTGCAGAGCTGCTGGAGTTAGCATATCATGAAGCTGCTGGAAGGTGAGGATGTGCACAG[G>C]GCTCTGGAAGGTAACCTGAGAACACTCTCCAGCACCCAGGACAATGTGCAGAACAGACTA-3'

ClinVar aggregate classification (germline): Uncertain significance (1 of 4 stars; one submission).

Conditions:
Familial focal epilepsy with variable foci (FPEVF). Identifiers: Orphanet 98820, MedGen C1858477, MONDO:0020310.

Allele frequency attached by ClinVar (database versions not stated): gnomAD exomes below 0.00001.
gnomAD v4.1: 1 of 1,606,116 alleles (0.000062%); highest among the groups gnomAD compares: Admixed American, 0.0017%; no homozygotes.

Submission:

Labcorp Genetics (formerly Invitae), Labcorp
Classification: Uncertain significance for Familial focal epilepsy with variable foci. Last evaluated: 2025-08-10. Review status: criteria provided, single submitter. Criteria: Invitae Variant Classification Sherloc (09022015). Collection method: clinical testing. Allele origin: germline.
Comment: This sequence change falls in intron 23 of the DEPDC5 gene. It does not directly change the encoded amino acid sequence of the DEPDC5 protein. This variant is not present in population databases (gnomAD no frequency). This variant has not been reported in the literature in individuals affected with DEPDC5-related conditions. ClinVar contains an entry for this variant (Variation ID: 2858014). Algorithms developed to predict the effect of sequence changes on RNA splicing suggest that this variant may create or strengthen a splice site. In summary, the available evidence is currently insufficient to determine the role of this variant in disease. Therefore, it has been classified as a Variant of Uncertain Significance.